The following is an entry in ClinVar:

NM_001953.5(TYMP):c.457G>A (p.Gly153Ser)

Gene: TYMP (thymidine phosphorylase; minus strand). Cytogenetic location: 22q13.33.
Variant type: single nucleotide variant.
Coding change: c.457G>A on transcript NM_001953.5 (MANE Select); coding-DNA position 457, G replaced by A.
Protein change: p.Gly153Ser; replaces glycine 153 with serine.
Molecular consequence: missense variant.
Genome position (GRCh38, 1-based): chr22:50,528,571, C>T on the plus strand (G>A on the coding strand, the complement: TYMP is on the minus strand). VCF-style: chr22-50528571-C-T. GRCh37 (hg19) VCF-style: chr22-50967000-C-T.
Other names: Gly>Ser; c.457G>A, p.Gly153Ser (LRG_727t2, LRG_727t1, NM_001257988.1 and 3 more transcripts); c.457G>A (NM_001953.3); short protein forms G153S.
Identifiers: ClinVar variation 16660 (VCV000016660.18), dbSNP rs121913038, ClinGen allele CA126774.

ClinVar aggregate classification (germline): Pathogenic/Likely pathogenic. Review status: criteria provided, multiple submitters, no conflicts (2 of 4 stars). 8 submissions from 8 submitters: Pathogenic (4); Likely pathogenic (2). 2 of the submissions do not count toward it. Last evaluated 2026-03-19.

Conditions:
Mitochondrial neurogastrointestinal encephalomyopathy. Also called: Mitochondrial neurogastrointestinal encephalopathy syndrome; MNGIE syndrome; Thymidine phosphorylase deficiency. Identifiers: Orphanet 298, MedGen C0872218, MONDO:0017575.
Mitochondrial DNA depletion syndrome 1. Also called: Mitochondrial Neurogastrointestinal Encephalopathy Disease; Mitochondrial neurogastrointestinal encephalomyopathy syndrome; Mitochondrial DNA Depletion Syndrome, MNGIE Form; MITOCHONDRIAL NEUROGASTROINTESTINAL ENCEPHALOPATHY SYNDROME, TYMP-RELATED; MNGIE, TYMP-RELATED; POLIP SYNDROME. Identifiers: Orphanet 298, MedGen C4551995, MONDO:0011283, OMIM 603041.

Allele frequency attached by ClinVar (database versions not stated): TOPMed below 0.00001; ExAC 0.00001; gnomAD 0.00001; gnomAD exomes 0.00001.

Submissions (8):

Myriad Genetics, Inc.
Classification: Likely pathogenic for Mitochondrial DNA depletion syndrome 1. Last evaluated: 2026-03-19. Review status: criteria provided, single submitter. Criteria: Myriad Autosomal Dominant, Autosomal Recessive and X-Linked Classification Criteria (2023). Collection method: clinical testing. Allele origin: unknown.
Comment: NM_001953.4(TYMP):c.457G>A(G153S) is a missense variant classified as likely pathogenic in the context of mitochondrial neurogastrointestinal encephalopathy disease. G153S has been observed in cases with relevant disease (PMID: 9924029, 22011815, 14720311, 14981734, 29348134, 17612528, 16178026). Relevant functional assessments of this variant are not available in the literature. G153S has been observed in referenced population frequency databases. In summary, NM_001953.4(TYMP):c.457G>A(G153S) is a missense variant that has been observed more frequently in cases with the relevant disease than in healthy populations. Please note: this variant was assessed in the context of healthy population screening.

GeneDx
Classification: Likely pathogenic. Last evaluated: 2026-01-22. Review status: criteria provided, single submitter. Criteria: GeneDx Variant Classification Process June 2021. Collection method: clinical testing. Allele origin: germline.
Comment: Not observed at significant frequency in large population cohorts (gnomAD); In silico analysis supports that this missense variant has a deleterious effect on protein structure/function; This variant is associated with the following publications: (PMID: 21820356, 32849836, 26264513, 9924029, 29348134, 19748572, 22011815, 40111159, 35085849, 38712004, 18787099, 16178026)

Natera, Inc.
Classification: Pathogenic for Mitochondrial neurogastrointestinal encephalomyopathy. Last evaluated: 2025-11-10. Review status: criteria provided, single submitter. Criteria: Natera Variant Classification Schema (03/2026). Collection method: clinical testing. Allele origin: germline.
Comment: The c.457G>A variant in TYMP is a missense variant predicted to cause substitution of glycine to serine at amino acid 153. This variant is rare in the general population with a frequency below the threshold expected for the associated phenotype(s). This variant has been observed in one or more individuals affected with the associated recessive disease, as either homozygous or compound heterozygous with a second variant (PMID: 10852545). Computational prediction algorithms indicate this variant is likely to affect gene or protein function. Given the available evidence, this variant is classified as Pathogenic.

Labcorp Genetics (formerly Invitae), Labcorp
Classification: Pathogenic. Last evaluated: 2024-06-02. Review status: criteria provided, single submitter. Criteria: Invitae Variant Classification Sherloc (09022015). Collection method: clinical testing. Allele origin: germline.
Comment: This sequence change replaces glycine, which is neutral and non-polar, with serine, which is neutral and polar, at codon 153 of the TYMP protein (p.Gly153Ser). This variant is present in population databases (rs121913038, gnomAD 0.007%). This missense change has been observed in individual(s) with mitochondrial neurogastrointestinal encephalomyopathy (PMID: 9924029, 16178026). ClinVar contains an entry for this variant (Variation ID: 16660). Advanced modeling of protein sequence and biophysical properties (such as structural, functional, and spatial information, amino acid conservation, physicochemical variation, residue mobility, and thermodynamic stability) performed at Invitae indicates that this missense variant is expected to disrupt TYMP protein function with a positive predictive value of 95%. For these reasons, this variant has been classified as Pathogenic.

Mayo Clinic Laboratories, Mayo Clinic
Classification: Pathogenic. Last evaluated: 2023-06-12. Review status: criteria provided, single submitter. Criteria: ACMG Guidelines, 2015. Collection method: clinical testing. Allele origin: germline. Observed: 1 variant allele.
Comment: PP3, PP4, PM2, PM3_strong, PS4_moderate

Fulgent Genetics
Classification: Pathogenic for Mitochondrial DNA depletion syndrome 1. Last evaluated: 2021-09-09. Review status: criteria provided, single submitter. Criteria: ACMG Guidelines, 2015. Collection method: clinical testing. Allele origin: unknown.

GeneReviews
Classification: Pathogenic for Mitochondrial DNA depletion syndrome 1. Last evaluated: 2016-01-14. Review status: no assertion criteria provided. Collection method: literature only. Allele origin: germline. Affected: yes. Not counted in ClinVar's aggregate classification.

OMIM
Classification: Pathogenic for MITOCHONDRIAL DNA DEPLETION SYNDROME 1 (MNGIE TYPE). Last evaluated: 1999-01-29. Review status: no assertion criteria provided. Collection method: literature only. Allele origin: germline. Not counted in ClinVar's aggregate classification.

Literature cited by the submitters: PubMed 14720311 (cited by Myriad Genetics, Inc.); PubMed 14981734 (cited by Myriad Genetics, Inc.); PubMed 16178026 (cited by 3 submitters); PubMed 17612528 (cited by Myriad Genetics, Inc.); PubMed 22011815 (cited by Myriad Genetics, Inc. and Mayo Clinic Laboratories, Mayo Clinic); PubMed 29348134 (cited by Myriad Genetics, Inc.); PubMed 9924029 (cited by 5 submitters); PubMed 10852545 (cited by Natera, Inc.); PubMed 19748572 (cited by Mayo Clinic Laboratories, Mayo Clinic); PubMed 21820356 (cited by Mayo Clinic Laboratories, Mayo Clinic); PubMed 26264513 (cited by Mayo Clinic Laboratories, Mayo Clinic); PubMed 35085849 (cited by Mayo Clinic Laboratories, Mayo Clinic).